The following is an entry in ClinVar:

NM_003722.5(TP63):c.50C>G (p.Pro17Arg)

Gene: TP63 (tumor protein p63; plus strand). Cytogenetic location: 3q28.
Variant type: single nucleotide variant.
Coding change: c.50C>G on transcript NM_003722.5 (MANE Select); coding-DNA position 50, C replaced by G.
Protein change: p.Pro17Arg; replaces proline 17 with arginine.
Molecular consequence: missense variant. On other transcripts: intron variant (1).
Genome position (GRCh38, 1-based): chr3:189,631,565, C>G. VCF-style: chr3-189631565-C-G. GRCh37 (hg19) VCF-style: chr3-189349354-C-G.
Other names: c.50C>G, p.Pro17Arg (NM_001114978.2, NM_001114979.2, NM_001329144.2 and 1 more transcripts); c.56+34327C>G (NM_001329964.2); short protein forms P17R.
Identifiers: ClinVar variation 1421645 (VCV001421645.6), dbSNP rs1408730457, ClinGen allele CA355858716.

ClinVar aggregate classification (germline): Uncertain significance. Review status: criteria provided, multiple submitters, no conflicts (2 of 4 stars). 2 submissions from 2 submitters: Uncertain significance (2). Last evaluated 2023-10-13.

Conditions:
TP63-Related Spectrum Disorders.
ADULT syndrome. Also called: ACRO-DERMATO-UNGUAL-LACRIMAL-TOOTH SYNDROME; Acro-dermato-ungual-lacrimal-tooth (adult) syndrome; Acro-Dermo-Ungual-Lacrimal-Tooth Syndrome (ADULT Syndrome). Identifiers: Orphanet 978, MedGen C1863204, MONDO:0007072, OMIM 103285.
Rapp-Hodgkin syndrome (RHS). Also called: ECTODERMAL DYSPLASIA, ANHIDROTIC, WITH CLEFT LIP/PALATE; Rapp-Hodgkin ectodermal dysplasia syndrome; Isolated Cleft Lip/Cleft Palate (Orofacial Cleft 8). Identifiers: MedGen C1785148, MONDO:0007508, OMIM 129400.
Ankyloblepharon-ectodermal defects-cleft lip/palate syndrome. Also called: Hay-Wells syndrome of ectodermal dysplasia; AEC SYNDROME; HAY-WELLS SYNDROME; Ankyloblepharon-ectodermal defects, cleft lip/palate; Ankyloblepharon-Ectodermal Defects-Cleft Lip/Palate Syndrome (AEC Syndrome). Identifiers: Orphanet 1071, MedGen C0406709, MONDO:0007124, OMIM 106260.
Ectrodactyly, ectodermal dysplasia, and cleft lip-palate syndrome 3. Also called: Ectrodactyly, Ectodermal Dysplasia, Clefting Syndrome; EEC SYNDROME 3; Ectrodactyly, Ectodermal Dysplasia, Cleft Lip/Palate Syndrome 3 (EEC3); Ectrodactyly, Ectodermal Dysplasia, Clefting Syndrome Type 3 (EEC3). Identifiers: Orphanet 1896, MedGen C1858562, MONDO:0011428, OMIM 604292.
Split hand-foot malformation 4. Also called: Split-Hand/Foot Malformation Type 4 (SHFM4); Split-Hand/Foot Malformation Type 4 (SHFM4 syndrome). Identifiers: Orphanet 2440, MedGen C1854442, MONDO:0011535, OMIM 605289.
Limb-mammary syndrome (LMS). Also called: Mammary hypoplasia, ectrodactyly, and other hand/foot anomalies. Identifiers: Orphanet 69085, MedGen C1863753, MONDO:0011334, OMIM 603543.
Orofacial cleft 8. Also called: Cleft lip with or without cleft palate, nonsyndromic, 8. Identifiers: MedGen C1851878, MONDO:0029145, OMIM 618149.

Allele frequency attached by ClinVar (database versions not stated): gnomAD 0.00003; gnomAD exomes below 0.00001; TOPMed 0.00002.
gnomAD v4.1: 5 of 1,612,768 alleles (0.00031%); highest among the groups gnomAD compares: African/African-American, 0.0053%; no homozygotes.

Submissions (2):

Labcorp Genetics (formerly Invitae), Labcorp
Classification: Uncertain significance. Last evaluated: 2023-10-13. Review status: criteria provided, single submitter. Criteria: Invitae Variant Classification Sherloc (09022015). Collection method: clinical testing. Allele origin: germline.
Comment: This sequence change replaces proline, which is neutral and non-polar, with arginine, which is basic and polar, at codon 17 of the TP63 protein (p.Pro17Arg). This variant is not present in population databases (gnomAD no frequency). This variant has not been reported in the literature in individuals affected with TP63-related conditions. ClinVar contains an entry for this variant (Variation ID: 1421645). Advanced modeling of protein sequence and biophysical properties (such as structural, functional, and spatial information, amino acid conservation, physicochemical variation, residue mobility, and thermodynamic stability) has been performed at Invitae for this missense variant, however the output from this modeling did not meet the statistical confidence thresholds required to predict the impact of this variant on TP63 protein function. In summary, the available evidence is currently insufficient to determine the role of this variant in disease. Therefore, it has been classified as a Variant of Uncertain Significance.

Fulgent Genetics
Classification: Uncertain significance for ADULT syndrome; Ankyloblepharon-ectodermal defects-cleft lip/palate syndrome; Rapp-Hodgkin syndrome; Limb-mammary syndrome; Ectrodactyly, ectodermal dysplasia, and cleft lip-palate syndrome 3; Split hand-foot malformation 4; Orofacial cleft 8. Last evaluated: 2022-01-07. Review status: criteria provided, single submitter. Criteria: ACMG Guidelines, 2015. Collection method: clinical testing. Allele origin: unknown.